The following is an entry in ClinVar:

ClinVar aggregate classification (germline): Uncertain significance (1 of 4 stars; one submission).

Allele frequency attached by ClinVar (database versions not stated): gnomAD exomes below 0.00001; ExAC 0.00001.
gnomAD v4.1: 3 of 1,598,358 alleles (0.00019%); highest among the groups gnomAD compares: Non-Finnish European, 0.00017%; no homozygotes.

Submission:

Labcorp Genetics (formerly Invitae), Labcorp
Classification: Uncertain significance. Last evaluated: 2022-05-03. Review status: criteria provided, single submitter. Criteria: Invitae Variant Classification Sherloc (09022015). Collection method: clinical testing. Allele origin: germline.
Comment: In summary, the available evidence is currently insufficient to determine the role of this variant in disease. Therefore, it has been classified as a Variant of Uncertain Significance. Algorithms developed to predict the effect of missense changes on protein structure and function are either unavailable or do not agree on the potential impact of this missense change (SIFT: "Deleterious"; PolyPhen-2: "Not Available"; Align-GVGD: "Class C65"). This variant has not been reported in the literature in individuals affected with DNA2-related conditions. This variant is present in population databases (rs765453168, gnomAD 0.0009%). This sequence change replaces glycine, which is neutral and non-polar, with arginine, which is basic and polar, at codon 94 of the DNA2 protein (p.Gly94Arg).

NM_001080449.3(DNA2):c.280G>A (p.Gly94Arg)

Gene: DNA2 (DNA replication helicase/nuclease 2; minus strand). Cytogenetic location: 10q21.3.
Variant type: single nucleotide variant.
Coding change: c.280G>A on transcript NM_001080449.3 (MANE Select); coding-DNA position 280, G replaced by A.
Protein change: p.Gly94Arg; replaces glycine 94 with arginine.
Molecular consequence: missense variant. On other transcripts: non-coding transcript variant (1).
Genome position (GRCh38, 1-based): chr10:68,468,284, C>T on the plus strand (G>A on the coding strand, the complement: DNA2 is on the minus strand). VCF-style: chr10-68468284-C-T. GRCh37 (hg19) VCF-style: chr10-70228041-C-T.
Other names: short protein forms G94R.
Identifiers: ClinVar variation 1964553 (VCV001964553.5), dbSNP rs765453168, ClinGen allele CA5525329.